The following is an entry in ClinVar:

ClinVar aggregate classification (germline): Conflicting classifications of pathogenicity. Review status: criteria provided, conflicting classifications (1 of 4 stars). 5 submissions from 5 submitters: Pathogenic (3); Likely pathogenic (1); Uncertain significance (1). Last evaluated 2026-06-16.

Conditions:
Retinitis pigmentosa 40 (RP40). Identifiers: Orphanet 791, MedGen C3151107, MONDO:0013429, OMIM 613801.
Congenital stationary night blindness autosomal dominant 2. Also called: NIGHT BLINDNESS, CONGENITAL STATIONARY, RAMBUSCH TYPE. Identifiers: Orphanet 215, MedGen C1876182, MONDO:0008099, OMIM 163500.
PDE6B-related disorder. Also called: PDE6B-related disease; PDE6B-related condition; PDE6B-related disorders.

Allele frequency attached by ClinVar (database versions not stated): gnomAD 0.00001; gnomAD exomes 0.00001; TOPMed 0.00001; ExAC 0.00004.
gnomAD v4.1: 73 of 1,549,664 alleles (0.0047%); highest among the groups gnomAD compares: Non-Finnish European, 0.0059%; no homozygotes.

Submissions (5):

PreventionGenetics, part of Exact Sciences
Classification: Pathogenic for PDE6B-related condition. Last evaluated: 2026-06-16. Review status: criteria provided, single submitter. Criteria: ACMG Guidelines, 2015. Collection method: clinical testing. Allele origin: germline.
Comment: The PDE6B c.1624C>T variant is predicted to result in the amino acid substitution p.Arg542Trp. This variant has been reported along with a second PDE6B variant in individuals with retinal disease, or in large cohorts of individuals with retinal disease (Wang et al. 2014. PubMed ID: 25097241; Foote et al. 2019. PubMed ID: 30924848; supplementary data, Gao et al. 2019. PubMed ID: 31054281; Table S1, Ma et al. 2021. PubMed ID: 33691693; Table S3, Suga et al. 2022. PubMed ID: 36284460). This variant is present in 0.0013% of alleles in individuals of European (Non-Finnish) descent in gnomAD. This variant is interpreted as pathogenic.

Labcorp Genetics (formerly Invitae), Labcorp
Classification: Pathogenic. Last evaluated: 2025-06-18. Review status: criteria provided, single submitter. Criteria: Invitae Variant Classification Sherloc (09022015). Collection method: clinical testing. Allele origin: germline.
Comment: This sequence change replaces arginine, which is basic and polar, with tryptophan, which is neutral and slightly polar, at codon 542 of the PDE6B protein (p.Arg542Trp). The frequency data for this variant in the population databases is considered unreliable, as metrics indicate poor data quality at this position in the gnomAD database. This missense change has been observed in individual(s) with clinical features of autosomal recessive retinal dystrophy (PMID: 25097241, 30924848, 33691693; internal data). In at least one individual the data is consistent with being in trans (on the opposite chromosome) from a pathogenic variant. ClinVar contains an entry for this variant (Variation ID: 849373). Invitae Evidence Modeling of protein sequence and biophysical properties (such as structural, functional, and spatial information, amino acid conservation, physicochemical variation, residue mobility, and thermodynamic stability) indicates that this missense variant is expected to disrupt PDE6B protein function with a positive predictive value of 95%. For these reasons, this variant has been classified as Pathogenic.

GeneDx
Classification: Uncertain significance. Last evaluated: 2025-05-20. Review status: criteria provided, single submitter. Criteria: GeneDx Variant Classification Process June 2021. Collection method: clinical testing. Allele origin: germline. Affected: yes.
Comment: Not observed at significant frequency in large population cohorts (gnomAD); In silico analysis supports that this missense variant has a deleterious effect on protein structure/function; In silico analysis suggests this variant may impact gene splicing. In the absence of RNA/functional studies, the actual effect of this sequence change is unknown; This variant is associated with the following publications: (PMID: 33691693, 36284460, 25097241, 31054281, 30924848, 36729443)

Blueprint Genetics
Classification: Pathogenic for PDE6B-related disorders. Last evaluated: 2023-10-20. Review status: criteria provided, single submitter. Criteria: ACMG Guidelines, 2015. Collection method: clinical testing. Allele origin: germline. Affected: yes. Observed: 5 variant alleles.

Fulgent Genetics
Classification: Likely pathogenic for Congenital stationary night blindness autosomal dominant 2; Retinitis pigmentosa 40. Last evaluated: 2021-10-30. Review status: criteria provided, single submitter. Criteria: ACMG Guidelines, 2015. Collection method: clinical testing. Allele origin: unknown.

Literature cited by the submitters: PubMed 25097241 (cited by Labcorp Genetics (formerly Invitae), Labcorp); PubMed 30924848 (cited by Labcorp Genetics (formerly Invitae), Labcorp); PubMed 33691693 (cited by Labcorp Genetics (formerly Invitae), Labcorp).

NM_000283.4(PDE6B):c.1624C>T (p.Arg542Trp)

Gene: PDE6B (phosphodiesterase 6B; plus strand). Cytogenetic location: 4p16.3.
Variant type: single nucleotide variant.
Coding change: c.1624C>T on transcript NM_000283.4 (MANE Select); coding-DNA position 1624, C replaced by T.
Protein change: p.Arg542Trp; replaces arginine 542 with tryptophan.
Molecular consequence: missense variant.
Genome position (GRCh38, 1-based): chr4:662,143, C>T. VCF-style: chr4-662143-C-T. GRCh37 (hg19) VCF-style: chr4-655932-C-T.
Other names: c.1624C>T, p.Arg542Trp (NM_001145291.2); c.787C>T, p.Arg263Trp (NM_001145292.2, NM_001350154.3, NM_001379246.1 and 1 more transcripts); c.469C>T, p.Arg157Trp (NM_001350155.3); short protein forms R542W, R157W, R263W.
Identifiers: ClinVar variation 849373 (VCV000849373.15), dbSNP rs760042062, ClinGen allele CA2794623.